The following is an entry in ClinVar:

ClinVar aggregate classification (germline): Uncertain significance. Review status: criteria provided, multiple submitters, no conflicts (2 of 4 stars). 2 submissions from 2 submitters: Uncertain significance (2). Last evaluated 2024-05-29.

Conditions:
Inborn genetic diseases. Identifiers: MedGen C0950123, MeSH D030342.

gnomAD v4.1: 3 of 1,600,860 alleles (0.00019%); highest among the groups gnomAD compares: South Asian, 0.0022%; no homozygotes.

Submissions (2):

Ambry Genetics
Classification: Uncertain significance for Inborn genetic diseases. Last evaluated: 2024-05-29. Review status: criteria provided, single submitter. Criteria: Ambry Variant Classification Scheme 2023. Collection method: clinical testing. Allele origin: germline.

Labcorp Genetics (formerly Invitae), Labcorp
Classification: Uncertain significance. Last evaluated: 2022-04-25. Review status: criteria provided, single submitter. Criteria: Invitae Variant Classification Sherloc (09022015). Collection method: clinical testing. Allele origin: germline.
Comment: This sequence change replaces glycine, which is neutral and non-polar, with alanine, which is neutral and non-polar, at codon 2352 of the SZT2 protein (p.Gly2352Ala). This variant is not present in population databases (gnomAD no frequency). This variant has not been reported in the literature in individuals affected with SZT2-related conditions. Algorithms developed to predict the effect of missense changes on protein structure and function (SIFT, PolyPhen-2, Align-GVGD) all suggest that this variant is likely to be tolerated. In summary, the available evidence is currently insufficient to determine the role of this variant in disease. Therefore, it has been classified as a Variant of Uncertain Significance.

NM_001365999.1(SZT2):c.7226G>C (p.Gly2409Ala)

Gene: SZT2 (SZT2 subunit of KICSTOR complex; plus strand). Cytogenetic location: 1p34.2.
Variant type: single nucleotide variant.
Coding change: c.7226G>C on transcript NM_001365999.1 (MANE Select); coding-DNA position 7226, G replaced by C.
Protein change: p.Gly2409Ala; replaces glycine 2409 with alanine.
Molecular consequence: missense variant.
Genome position (GRCh38, 1-based): chr1:43,440,468, G>C. VCF-style: chr1-43440468-G-C. GRCh37 (hg19) VCF-style: chr1-43906139-G-C.
Other names: c.7055G>C, p.Gly2352Ala (NM_015284.4); c.7055G>C (NM_015284.3); short protein forms G2409A, G2352A.
Identifiers: ClinVar variation 1955120 (VCV001955120.3), dbSNP rs2545848433, ClinGen allele CA340034249.